The following is an entry in ClinVar:

ClinVar aggregate classification (germline): Pathogenic (1 of 4 stars; one submission).

Conditions:
Joubert syndrome. Also called: JOUBERT-BOLTSHAUSER SYNDROME; Familial aplasia of the vermis. Identifiers: Orphanet 475, MedGen C5979921, MONDO:0018772.
Meckel-Gruber syndrome. Also called: DYSENCEPHALIA SPLANCHNOCYSTICA; GRUBER SYNDROME; Dysencephalia splachnocystica. Identifiers: Orphanet 564, MedGen C0265215, MONDO:0018921.

Allele frequency attached by ClinVar (database versions not stated): gnomAD exomes below 0.00001 and 0.00001.

Submission:

Labcorp Genetics (formerly Invitae), Labcorp
Classification: Pathogenic for Joubert syndrome; Meckel-Gruber syndrome. Last evaluated: 2021-01-11. Review status: criteria provided, single submitter. Criteria: Invitae Variant Classification Sherloc (09022015). Collection method: clinical testing. Allele origin: germline.
Comment: For these reasons, this variant has been classified as Pathogenic. This variant has not been reported in the literature in individuals with CC2D2A-related conditions. This variant is not present in population databases (ExAC no frequency). This sequence change creates a premature translational stop signal (p.Ser1488Leufs*8) in the CC2D2A gene. It is expected to result in an absent or disrupted protein product. Loss-of-function variants in CC2D2A are known to be pathogenic (PMID: 19777577).

Literature cited by the submitters: PubMed 19777577.

NM_001378615.1(CC2D2A):c.4460dup (p.Ser1488fs)

Genes: CC2D2A (coiled-coil and C2 domain containing 2A; plus strand), FBXL5 (F-box and leucine rich repeat protein 5; minus strand). Cytogenetic location: 4p15.32.
Variant type: Duplication.
Coding change: c.4460dup on transcript NM_001378615.1 (MANE Select); coding-DNA position 4460, one base duplicated (G; older notation c.4460dupG).
Protein change: p.Ser1488fs; shifts the reading frame from serine 1488.
Molecular consequence: frameshift variant.
Genome position (GRCh38, 1-based): chr4:15,597,429, G duplicated. VCF-style (leftmost placement, unchanged base first): chr4-15597428-C-CG. GRCh37 (hg19) VCF-style: chr4-15599051-C-CG.
Other names: c.4460dup, p.Ser1488fs (NM_001080522.2); c.4313dup, p.Ser1439fs (NM_001378617.1); short protein forms S1439fs, S1488fs.
Identifiers: ClinVar variation 1354891 (VCV001354891.6), dbSNP rs1560199860, ClinGen allele CA549900040.